The following is an entry in ClinVar:

ClinVar aggregate classification (germline): Uncertain significance. Review status: criteria provided, multiple submitters, no conflicts (2 of 4 stars). 2 submissions from 2 submitters: Uncertain significance (2). Last evaluated 2025-04-03.

Conditions:
Primary ciliary dyskinesia. Also called: Ciliary dyskinesia. Identifiers: Orphanet 244, MedGen C0008780, MONDO:0016575, HP:0012265.

Allele frequency attached by ClinVar (database versions not stated): gnomAD 0.00002; TOPMed 0.00003; ExAC 0.00004; ESP Exome Variant Server 0.00008; gnomAD exomes 0.00008.

Submissions (2):

Labcorp Genetics (formerly Invitae), Labcorp
Classification: Uncertain significance for Primary ciliary dyskinesia. Last evaluated: 2025-04-03. Review status: criteria provided, single submitter. Criteria: Invitae Variant Classification Sherloc (09022015). Collection method: clinical testing. Allele origin: germline.
Comment: This sequence change replaces aspartic acid, which is acidic and polar, with valine, which is neutral and non-polar, at codon 29 of the DNAAF2 protein (p.Asp29Val). This variant is present in population databases (rs377462381, gnomAD 0.02%). This variant has not been reported in the literature in individuals affected with DNAAF2-related conditions. ClinVar contains an entry for this variant (Variation ID: 2252342). Invitae Evidence Modeling of protein sequence and biophysical properties (such as structural, functional, and spatial information, amino acid conservation, physicochemical variation, residue mobility, and thermodynamic stability) indicates that this missense variant is expected to disrupt DNAAF2 protein function with a positive predictive value of 80%. In summary, the available evidence is currently insufficient to determine the role of this variant in disease. Therefore, it has been classified as a Variant of Uncertain Significance.

Ambry Genetics
Classification: Uncertain significance for Primary ciliary dyskinesia. Last evaluated: 2021-09-27. Review status: criteria provided, single submitter. Criteria: Ambry Variant Classification Scheme 2023. Collection method: clinical testing. Allele origin: germline.

NM_018139.3(DNAAF2):c.86A>T (p.Asp29Val)

Gene: DNAAF2 (dynein axonemal assembly factor 2; minus strand). Cytogenetic location: 14q21.3.
Variant type: single nucleotide variant.
Coding change: c.86A>T on transcript NM_018139.3 (MANE Select); coding-DNA position 86, A replaced by T.
Protein change: p.Asp29Val; replaces aspartic acid 29 with valine.
Molecular consequence: missense variant.
Genome position (GRCh38, 1-based): chr14:49,635,064, T>A on the plus strand (A>T on the coding strand, the complement: DNAAF2 is on the minus strand). VCF-style: chr14-49635064-T-A. GRCh37 (hg19) VCF-style: chr14-50101782-T-A.
Other names: c.86A>T, p.Asp29Val (NM_001083908.2); short protein forms D29V.
Identifiers: ClinVar variation 2252342 (VCV002252342.3), dbSNP rs377462381, ClinGen allele CA7173162.